The following is an entry in ClinVar:

ClinVar aggregate classification (germline): Benign/Likely benign. Review status: criteria provided, multiple submitters, no conflicts (2 of 4 stars). 8 submissions from 8 submitters: Benign (1); Likely benign (7). Last evaluated 2026-02-14.

Conditions:
Cardiovascular phenotype. Identifiers: MedGen CN230736.
Cardiomyopathy (CMYO). Also called: Cardiomyopathies. Identifiers: Orphanet 167848, MedGen C0878544, MONDO:0004994, HP:0001638. Inheritance: Various modes of inheritance.
Primary familial hypertrophic cardiomyopathy (HCM). Identifiers: Orphanet 99739, MedGen C0949658, MeSH D024741, MONDO:0024573. Inheritance: Various modes of inheritance.
Dilated cardiomyopathy 1AA (CMD1AA). Also called: CARDIOMYOPATHY, DILATED, 1AA, WITH OR WITHOUT LEFT VENTRICULAR NONCOMPACTION; CARDIOMYOPATHY, FAMILIAL HYPERTROPHIC, 23, WITH OR WITHOUT LEFT VENTRICULAR NONCOMPACTION; Cardiomyopathy, dilated, 1AA, with or without LVNC. Identifiers: Orphanet 154, MedGen C2677338, MONDO:0012808, OMIM 612158.

Allele frequency attached by ClinVar (database versions not stated): gnomAD 0.00004 and 0.00006; gnomAD exomes 0.00004 and 0.00008; ExAC 0.00010; TOPMed 0.00011.
gnomAD v4.1: 76 of 1,614,146 alleles (0.0047%); highest among the groups gnomAD compares: East Asian, 0.051%; no homozygotes.

Submissions (8):

Women's Health and Genetics/Laboratory Corporation of America, LabCorp
Classification: Benign. Last evaluated: 2026-02-14. Review status: criteria provided, single submitter. Criteria: LabCorp Variant Classification Summary - May 2015. Collection method: clinical testing. Allele origin: germline.

Labcorp Genetics (formerly Invitae), Labcorp
Classification: Likely benign for Primary familial hypertrophic cardiomyopathy; Dilated cardiomyopathy 1AA. Last evaluated: 2026-01-25. Review status: criteria provided, single submitter. Criteria: Invitae Variant Classification Sherloc (09022015). Collection method: clinical testing. Allele origin: germline.

Blueprint Genetics
Classification: Likely benign. Last evaluated: 2024-11-21. Review status: criteria provided, single submitter. Criteria: ACMG Guidelines, 2015. Collection method: clinical testing. Allele origin: germline.

CeGaT Center for Human Genetics Tuebingen
Classification: Likely benign. Last evaluated: 2022-10-01. Review status: criteria provided, single submitter. Criteria: CeGaT Center For Human Genetics Tuebingen Variant Classification Criteria Version 2. Collection method: clinical testing. Allele origin: germline. Affected: yes. Observed: 1 variant allele.
Comment: ACTN2: BP4, BP7

GeneDx
Classification: Likely benign. Last evaluated: 2021-06-24. Review status: criteria provided, single submitter. Criteria: GeneDx Variant Classification Process June 2021. Collection method: clinical testing. Allele origin: germline. Affected: yes.

CHEO Genetics Diagnostic Laboratory, Children's Hospital of Eastern Ontario
Classification: Likely benign for Cardiomyopathy. Last evaluated: 2021-01-15. Review status: criteria provided, single submitter. Criteria: ACMG Guidelines, 2015. Collection method: clinical testing. Allele origin: germline. Study: Canadian Open Genetics Repository.

Ambry Genetics
Classification: Likely benign for Cardiovascular phenotype. Last evaluated: 2017-01-20. Review status: criteria provided, single submitter. Criteria: Ambry Variant Classification Scheme 2023. Collection method: clinical testing. Allele origin: germline.

Laboratory for Molecular Medicine, Mass General Brigham Personalized Medicine
Classification: Likely benign. Last evaluated: 2012-11-28. Review status: criteria provided, single submitter. Criteria: LMM Criteria. Collection method: clinical testing. Allele origin: germline. Observed: 2 variant alleles.
Comment: Ile815Ile in exon 20 of ACTN2: This variant is not expected to have clinical sig nificance because it does not alter an amino acid residue and is not located wit hin the splice consensus sequence. Ile815Ile in exon 20 of ACTN2 (allele freque ncy = n/a)

NM_001103.4(ACTN2):c.2445C>T (p.Ile815=)

Gene: ACTN2 (actinin alpha 2; plus strand). Cytogenetic location: 1q43.
Variant type: single nucleotide variant.
Coding change: c.2445C>T on transcript NM_001103.4 (MANE Select); coding-DNA position 2445, C replaced by T.
Protein change: p.Ile815=; no amino-acid change (isoleucine 815 retained).
Molecular consequence: synonymous variant.
Genome position (GRCh38, 1-based): chr1:236,761,092, C>T. VCF-style: chr1-236761092-C-T. GRCh37 (hg19) VCF-style: chr1-236924392-C-T.
Other names: c.2445C>T, p.Ile815= (NM_001278343.2); c.1821C>T, p.Ile607= (NM_001278344.2).
Identifiers: ClinVar variation 43929 (VCV000043929.49), dbSNP rs397516575, ClinGen allele CA133182.